The following is an entry in ClinVar:

ClinVar aggregate classification (germline): Pathogenic (1 of 4 stars; one submission).

Conditions:
Familial thoracic aortic aneurysm and aortic dissection (TAAD). Also called: Thoracic aortic aneurysms and dissections. Identifiers: Orphanet 91387, MedGen C4707243, MONDO:0019625.
Marfan syndrome (MFS). Also called: MARFAN SYNDROME, TYPE I; Marfan syndrome type 1; Marfan's syndrome; Marfan syndrome, classic; FBN1-Related Marfan Syndrome. Identifiers: Orphanet 284963, Orphanet 558, MedGen C0024796, MONDO:0007947, OMIM 154700.

Submission:

Labcorp Genetics (formerly Invitae), Labcorp
Classification: Pathogenic for Marfan syndrome; Familial thoracic aortic aneurysm and aortic dissection. Last evaluated: 2022-08-19. Review status: criteria provided, single submitter. Criteria: Invitae Variant Classification Sherloc (09022015). Collection method: clinical testing. Allele origin: germline.
Comment: For these reasons, this variant has been classified as Pathogenic. This variant has not been reported in the literature in individuals affected with FBN1-related conditions. This variant is not present in population databases (gnomAD no frequency). This sequence change creates a premature translational stop signal (p.Phe385Leufs*63) in the FBN1 gene. It is expected to result in an absent or disrupted protein product. Loss-of-function variants in FBN1 are known to be pathogenic (PMID: 17657824, 19293843).

Literature cited by the submitters: PubMed 17657824; PubMed 19293843.

NM_000138.5(FBN1):c.1155_1165del (p.Phe385fs)

Gene: FBN1 (fibrillin 1; minus strand). Cytogenetic location: 15q21.1.
Variant type: Deletion.
Coding change: c.1155_1165del on transcript NM_000138.5 (MANE Select); coding-DNA positions 1155 to 1165, 11 bases deleted (CAACAAGCTGT).
Protein change: p.Phe385fs; shifts the reading frame from phenylalanine 385.
Molecular consequence: frameshift variant.
Genome position (GRCh38, 1-based): chr15:48,516,345-48,516,355, ACAGCTTGTTG deleted on the plus strand (CAACAAGCTGT on the coding strand, the reverse complement: FBN1 is on the minus strand); deleting any 11 consecutive bases within chr15:48,516,345-48,516,356 gives the same sequence; the c. name uses the placement nearest the transcript's 3' end. VCF-style (leftmost placement, unchanged base first): chr15-48516344-CACAGCTTGTTG-C. GRCh37 (hg19) VCF-style: chr15-48808541-CACAGCTTGTTG-C.
Other names: c.1154_1164delTCAACAAGCTG, p.Phe385Leufs (NM_001406716.1); short protein forms F385fs.
Identifiers: ClinVar variation 2025064 (VCV002025064.4), dbSNP rs2505619972, ClinGen allele CA2580089712.